The following is an entry in ClinVar:

NM_004517.4(ILK):c.590C>T (p.Thr197Met)

Genes: ILK (integrin linked kinase; plus strand), TAF10 (TATA-box binding protein associated factor 10; minus strand). Cytogenetic location: 11p15.4.
Variant type: single nucleotide variant.
Coding change: c.590C>T on transcript NM_004517.4 (MANE Select); coding-DNA position 590, C replaced by T.
Protein change: p.Thr197Met; replaces threonine 197 with methionine.
Molecular consequence: missense variant. On other transcripts: 3 prime UTR variant (1), intron variant (1).
Genome position (GRCh38, 1-based): chr11:6,609,128, C>T. VCF-style: chr11-6609128-C-T. GRCh37 (hg19) VCF-style: chr11-6630359-C-T.
Other names: c.590C>T, p.Thr197Met (NM_001014794.3, NM_001014795.3); c.188C>T, p.Thr63Met (NM_001278442.2); c.*1794G>A (NM_006284.4); c.435+161C>T (NM_001278441.2); short protein forms T197M, T63M.
Identifiers: ClinVar variation 1435677 (VCV001435677.8), dbSNP rs767383055, ClinGen allele CA5858107.

ClinVar aggregate classification (germline): Uncertain significance. Review status: criteria provided, multiple submitters, no conflicts (2 of 4 stars). 3 submissions from 3 submitters: Uncertain significance (3). Last evaluated 2025-09-10.

Conditions:
Primary familial hypertrophic cardiomyopathy (HCM). Identifiers: Orphanet 99739, MedGen C0949658, MeSH D024741, MONDO:0024573. Inheritance: Various modes of inheritance.
ILK-related cardiomyopathy.

Allele frequency attached by ClinVar (database versions not stated): ExAC 0.00001; TOPMed 0.00001.
gnomAD v4.1: 37 of 1,614,128 alleles (0.0023%); highest among the groups gnomAD compares: Non-Finnish European, 0.003%; no homozygotes.

Submissions (3):

Labcorp Genetics (formerly Invitae), Labcorp
Classification: Uncertain significance for Primary familial hypertrophic cardiomyopathy. Last evaluated: 2025-09-10. Review status: criteria provided, single submitter. Criteria: Invitae Variant Classification Sherloc (09022015). Collection method: clinical testing. Allele origin: germline.
Comment: This sequence change replaces threonine, which is neutral and polar, with methionine, which is neutral and non-polar, at codon 197 of the ILK protein (p.Thr197Met). This variant is present in population databases (rs767383055, gnomAD 0.004%). This variant has not been reported in the literature in individuals affected with ILK-related conditions. ClinVar contains an entry for this variant (Variation ID: 1435677). An algorithm developed to predict the effect of missense changes on protein structure and function (PolyPhen-2) suggests that this variant is likely to be tolerated. In summary, the available evidence is currently insufficient to determine the role of this variant in disease. Therefore, it has been classified as a Variant of Uncertain Significance.

Blueprint Genetics
Classification: Uncertain significance. Last evaluated: 2023-12-21. Review status: criteria provided, single submitter. Criteria: ACMG Guidelines, 2015. Collection method: clinical testing. Allele origin: germline.

New York Genome Center
Classification: Uncertain significance for ILK-related cardiomyopathy. Last evaluated: 2023-08-30. Review status: criteria provided, single submitter. Criteria: NYGC Assertion Criteria 2020. Collection method: clinical testing. Allele origin: germline. Observed: 1 heterozygote.
Comment: The c.590C>T p.(Thr197Met) variant identified in the ILK gene is located on exon 7 of this 13-exon gene and substitutes a Threonine for Methionine at amino acid position 197 of the encoded protein. This variant is absent from population databases (gnomAD v2.1.1, gnomADv3.1.2, TOPMed Freeze 8), suggesting it is not a common benign variant in the populations represented in those databases. The c.590C>T variant has been deposited to ClinVar as Variant of Uncertain Significance (ClinVar ID: 1435677) by a single submitter, and to our current knowledge it has not been reported in affected individuals in the literature. In silico algorithms are supportive of the benign effect of this variant on protein function (REVEL score: 0.220). However, functional studies are not available to provide more information about the variant’s damaging effect. Based on available evidence this c.590C>T (p.Thr197Met) variant identified in the ILK gene is classified as a Variant of Uncertain Significance.